The following is an entry in ClinVar:

NM_138694.4(PKHD1):c.11271G>A (p.Glu3757=)

Gene: PKHD1 (PKHD1 ciliary IPT domain containing fibrocystin/polyductin; minus strand). Cytogenetic location: 6p12.3.
Variant type: single nucleotide variant.
Coding change: c.11271G>A on transcript NM_138694.4 (MANE Select); coding-DNA position 11271, G replaced by A.
Protein change: p.Glu3757=; no amino-acid change (glutamic acid 3757 retained).
Molecular consequence: synonymous variant.
Genome position (GRCh38, 1-based): chr6:51,649,124, C>T on the plus strand (G>A on the coding strand, the complement: PKHD1 is on the minus strand). VCF-style: chr6-51649124-C-T. GRCh37 (hg19) VCF-style: chr6-51513922-C-T.
Other names: c.11271G>A (NM_138694.3).
Identifiers: ClinVar variation 1577119 (VCV001577119.9), dbSNP rs2150366821, ClinGen allele CA450412232.

ClinVar aggregate classification (germline): Likely benign. Review status: criteria provided, multiple submitters, no conflicts (2 of 4 stars). 2 submissions from 2 submitters: Likely benign (2). Last evaluated 2025-12-17.

Conditions:
PKHD1-related disorder. Also called: PKHD1-related condition.
Autosomal recessive polycystic kidney disease (ARPKD). Also called: AR polycystic kidney disease. Identifiers: Orphanet 731, Orphanet 8378, MedGen C0085548, MeSH D017044, MONDO:0009889.

gnomAD v4.1: 3 of 1,613,884 alleles (0.00019%); highest among the groups gnomAD compares: Admixed American, 0.005%; no homozygotes.

Submissions (2):

PreventionGenetics, part of Exact Sciences
Classification: Likely benign for PKHD1-related condition. Last evaluated: 2025-12-17. Review status: criteria provided, single submitter. Criteria: ACMG Guidelines, 2015. Collection method: clinical testing. Allele origin: germline.
Comment: This variant is classified as likely benign based on ACMG/AMP sequence variant interpretation guidelines (Richards et al. 2015 PMID: 25741868, with internal and published modifications).

Labcorp Genetics (formerly Invitae), Labcorp
Classification: Likely benign for Autosomal recessive polycystic kidney disease. Last evaluated: 2023-07-04. Review status: criteria provided, single submitter. Criteria: Invitae Variant Classification Sherloc (09022015). Collection method: clinical testing. Allele origin: germline.